The following is an entry in ClinVar:

ClinVar aggregate classification (germline): Uncertain significance (1 of 4 stars; one submission).

Conditions:
Congenital myopathy with internal nuclei and atypical cores. Also called: Myopathy, centronuclear, 4. Identifiers: Orphanet 319160, MedGen C4707232, MONDO:0013890, OMIM 614807.

Allele frequency attached by ClinVar (database versions not stated): gnomAD 0.00001; TOPMed 0.00001.
gnomAD v4.1: 4 of 1,612,298 alleles (0.00025%); highest among the groups gnomAD compares: Admixed American, 0.0067%; no homozygotes.

Submission:

Labcorp Genetics (formerly Invitae), Labcorp
Classification: Uncertain significance for Congenital myopathy with internal nuclei and atypical cores. Last evaluated: 2025-09-21. Review status: criteria provided, single submitter. Criteria: Invitae Variant Classification Sherloc (09022015). Collection method: clinical testing. Allele origin: germline.
Comment: This sequence change replaces valine, which is neutral and non-polar, with leucine, which is neutral and non-polar, at codon 304 of the CCDC78 protein (p.Val304Leu). This variant is not present in population databases (gnomAD no frequency). This variant has not been reported in the literature in individuals affected with CCDC78-related conditions. ClinVar contains an entry for this variant (Variation ID: 473270). Invitae Evidence Modeling of protein sequence and biophysical properties (such as structural, functional, and spatial information, amino acid conservation, physicochemical variation, residue mobility, and thermodynamic stability) indicates that this missense variant is not expected to disrupt CCDC78 protein function with a negative predictive value of 80%. In summary, the available evidence is currently insufficient to determine the role of this variant in disease. Therefore, it has been classified as a Variant of Uncertain Significance.

NM_001378030.1(CCDC78):c.910G>C (p.Val304Leu)

Gene: CCDC78 (coiled-coil domain containing 78; minus strand). Cytogenetic location: 16p13.3.
Variant type: single nucleotide variant.
Coding change: c.910G>C on transcript NM_001378030.1 (MANE Select); coding-DNA position 910, G replaced by C.
Protein change: p.Val304Leu; replaces valine 304 with leucine.
Molecular consequence: missense variant. On other transcripts: non-coding transcript variant (5).
Genome position (GRCh38, 1-based): chr16:724,365, C>G on the plus strand (G>C on the coding strand, the complement: CCDC78 is on the minus strand). VCF-style: chr16-724365-C-G. GRCh37 (hg19) VCF-style: chr16-774365-C-G.
Other names: c.910G>C, p.Val304Leu (NM_001031737.3, NM_001378031.1); c.343G>C, p.Val115Leu (NM_001378033.1); short protein forms V304L, V115L.
Identifiers: ClinVar variation 473270 (VCV000473270.10), dbSNP rs1014754418, ClinGen allele CA276519823.